The following is an entry in ClinVar:

NM_001360016.2(G6PD):c.928G>C (p.Gly310Arg)

Gene: G6PD (glucose-6-phosphate dehydrogenase; minus strand). Cytogenetic location: Xq28.
Variant type: single nucleotide variant.
Coding change: c.928G>C on transcript NM_001360016.2 (MANE Select); coding-DNA position 928, G replaced by C.
Protein change: p.Gly310Arg; replaces glycine 310 with arginine.
Molecular consequence: missense variant.
Genome position (GRCh38, 1-based): chrX:154,533,065, C>G on the plus strand (G>C on the coding strand, the complement: G6PD is on the minus strand). VCF-style: chrX-154533065-C-G. GRCh37 (hg19) VCF-style: chrX-153761280-C-G.
Other names: c.928G>C, p.Gly310Arg (NM_001042351.3); c.1018G>C, p.Gly340Arg (NM_000402.4); short protein forms G310R, G340R.
Identifiers: ClinVar variation 3656427 (VCV003656427.2).

ClinVar aggregate classification (germline): Uncertain significance (1 of 4 stars; one submission).

Conditions:
Anemia, nonspherocytic hemolytic, due to G6PD deficiency (CNSHA1). Also called: Class I glucose-6-phosphate dehydrogenase deficiency; Favism, susceptibility to; Hemolytic anemia due to G6PD deficiency; ANEMIA, CONGENITAL, NONSPHEROCYTIC HEMOLYTIC, 1. Identifiers: Orphanet 466026, MedGen C2720289, MONDO:0010480, OMIM 300908.

gnomAD v4.1: 2 of 1,211,190 alleles (0.00017%); highest among the groups gnomAD compares: Admixed American, 0.0022%; no homozygotes.

Submission:

Labcorp Genetics (formerly Invitae), Labcorp
Classification: Uncertain significance for Anemia, nonspherocytic hemolytic, due to G6PD deficiency. Last evaluated: 2024-03-09. Review status: criteria provided, single submitter. Criteria: Invitae Variant Classification Sherloc (09022015). Collection method: clinical testing. Allele origin: germline.
Comment: This sequence change replaces glycine, which is neutral and non-polar, with arginine, which is basic and polar, at codon 310 of the G6PD protein (p.Gly310Arg). This variant is not present in population databases (gnomAD no frequency). This variant has not been reported in the literature in individuals affected with G6PD-related conditions. Advanced modeling of protein sequence and biophysical properties (such as structural, functional, and spatial information, amino acid conservation, physicochemical variation, residue mobility, and thermodynamic stability) performed at Invitae indicates that this missense variant is expected to disrupt G6PD protein function with a positive predictive value of 95%. In summary, the available evidence is currently insufficient to determine the role of this variant in disease. Therefore, it has been classified as a Variant of Uncertain Significance.